The following is an entry in ClinVar:

ClinVar aggregate classification (germline): Uncertain significance (1 of 4 stars; one submission).

Submission:

Labcorp Genetics (formerly Invitae), Labcorp
Classification: Uncertain significance. Last evaluated: 2023-08-17. Review status: criteria provided, single submitter. Criteria: Invitae Variant Classification Sherloc (09022015). Collection method: clinical testing. Allele origin: germline.
Comment: This variant is not present in population databases (gnomAD no frequency). In summary, the available evidence is currently insufficient to determine the role of this variant in disease. Therefore, it has been classified as a Variant of Uncertain Significance. An algorithm developed to predict the effect of missense changes on protein structure and function (PolyPhen-2) suggests that this variant is likely to be disruptive. ClinVar contains an entry for this variant (Variation ID: 1722213). This variant has not been reported in the literature in individuals affected with DNM1L-related conditions. This sequence change replaces valine, which is neutral and non-polar, with isoleucine, which is neutral and non-polar, at codon 687 of the DNM1L protein (p.Val687Ile).

NM_012062.5(DNM1L):c.2059G>A (p.Val687Ile)

Gene: DNM1L (dynamin 1 like; plus strand). Cytogenetic location: 12p11.21.
Variant type: single nucleotide variant.
Coding change: c.2059G>A on transcript NM_012062.5 (MANE Select); coding-DNA position 2059, G replaced by A.
Protein change: p.Val687Ile; replaces valine 687 with isoleucine.
Molecular consequence: missense variant.
Genome position (GRCh38, 1-based): chr12:32,742,653, G>A. VCF-style: chr12-32742653-G-A. GRCh37 (hg19) VCF-style: chr12-32895587-G-A.
Other names: c.2026G>A, p.Val676Ile (NM_001278463.2); c.2098G>A, p.Val700Ile (NM_001278464.2); c.2065G>A, p.Val689Ile (NM_001278465.2); c.1450G>A, p.Val484Ile (NM_001278466.2); c.1987G>A, p.Val663Ile (NM_001330380.2); c.1948G>A, p.Val650Ile (NM_005690.5); c.1981G>A, p.Val661Ile (NM_012063.4); short protein forms V484I, V650I, V661I, V663I, V676I, V687I, V689I, V700I.
Identifiers: ClinVar variation 1722213 (VCV001722213.5), dbSNP rs2541133944, ClinGen allele CA384365733.
Genomic context (GRCh38, chr12:32,742,653, plus strand): 5'-CCAAAGGCAGTAATGCATTTTTTGGTTAATCATGTGAAAGACACTCTTCAGAGTGAGCTA[G>A]TAGGCCAGCTGTATAAATCATCCTTATTGGATGATCTTCTGACAGAATCTGAGGACATGG-3'
Protein context (NP_036192.2, residues 677-697): HVKDTLQSEL[Val687Ile]GQLYKSSLLD